The following is an entry in ClinVar:

ClinVar aggregate classification (germline): Uncertain significance (1 of 4 stars; one submission).

Conditions:
Long QT syndrome (LQTS). Identifiers: MedGen C0023976, MeSH D008133, MONDO:0002442. Disease mechanism: loss of function. Inheritance: Various modes of inheritance.

Submission:

Labcorp Genetics (formerly Invitae), Labcorp
Classification: Uncertain significance for Long QT syndrome. Last evaluated: 2024-09-17. Review status: criteria provided, single submitter. Criteria: Invitae Variant Classification Sherloc (09022015). Collection method: clinical testing. Allele origin: germline.
Comment: This sequence change replaces methionine, which is neutral and non-polar, with valine, which is neutral and non-polar, at codon 370 of the KCNJ5 protein (p.Met370Val). This variant is not present in population databases (gnomAD no frequency). This variant has not been reported in the literature in individuals affected with KCNJ5-related conditions. Invitae Evidence Modeling of protein sequence and biophysical properties (such as structural, functional, and spatial information, amino acid conservation, physicochemical variation, residue mobility, and thermodynamic stability) indicates that this missense variant is not expected to disrupt KCNJ5 protein function with a negative predictive value of 80%. In summary, the available evidence is currently insufficient to determine the role of this variant in disease. Therefore, it has been classified as a Variant of Uncertain Significance.

NM_000890.5(KCNJ5):c.1108A>G (p.Met370Val)

Gene: KCNJ5 (potassium inwardly rectifying channel subfamily J member 5; plus strand). Cytogenetic location: 11q24.3.
Variant type: single nucleotide variant.
Coding change: c.1108A>G on transcript NM_000890.5 (MANE Select); coding-DNA position 1108, A replaced by G.
Protein change: p.Met370Val; replaces methionine 370 with valine.
Molecular consequence: missense variant.
Genome position (GRCh38, 1-based): chr11:128,916,579, A>G. VCF-style: chr11-128916579-A-G. GRCh37 (hg19) VCF-style: chr11-128786474-A-G.
Other names: c.1108A>G, p.Met370Val (NM_001354169.2); short protein forms M370V.
Identifiers: ClinVar variation 3689706 (VCV003689706.2).